The following is an entry in ClinVar:

NM_001267550.2(TTN):c.100982G>A (p.Arg33661Lys)

Genes: TTN (titin; minus strand), TTN-AS1 (TTN antisense RNA 1; plus strand). Cytogenetic location: 2q31.2.
Variant type: single nucleotide variant.
Coding change: c.100982G>A on transcript NM_001267550.2 (MANE Select); coding-DNA position 100982, G replaced by A.
Protein change: p.Arg33661Lys; replaces arginine 33661 with lysine.
Molecular consequence: missense variant.
Genome position (GRCh38, 1-based): chr2:178,535,633, C>T on the plus strand (G>A on the coding strand, the complement: TTN is on the minus strand). VCF-style: chr2-178535633-C-T. GRCh37 (hg19) VCF-style: chr2-179400360-C-T.
Other names: c.96059G>A, p.Arg32020Lys (NM_001256850.1); c.73787G>A, p.Arg24596Lys (NM_003319.4); c.93278G>A, p.Arg31093Lys (NM_133378.4); c.74162G>A, p.Arg24721Lys (NM_133432.3); c.74363G>A, p.Arg24788Lys (NM_133437.4); short protein forms R31093K, R33661K, R32020K, R24788K, R24596K, R24721K.
Identifiers: ClinVar variation 191827 (VCV000191827.23), dbSNP rs201857158, ClinGen allele CA237647.

ClinVar aggregate classification (germline): Conflicting classifications of pathogenicity. Review status: criteria provided, conflicting classifications (1 of 4 stars). 12 submissions from 10 submitters: Uncertain significance (5); Likely benign (4). 3 of the submissions do not count toward it. Last evaluated 2026-01-21.

Conditions:
TTN-related disorder. Also called: TTN-related condition; TTN-related disease; TTN-related disorders.
Cardiovascular phenotype. Identifiers: MedGen CN230736.
Autosomal recessive limb-girdle muscular dystrophy type 2J (LGMDR10). Also called: MUSCULAR DYSTROPHY, LIMB-GIRDLE, AUTOSOMAL RECESSIVE 10; Limb-girdle muscular dystrophy, type 2J. Identifiers: Orphanet 140922, MedGen C1837342, MONDO:0012127, OMIM 608807.
Dilated cardiomyopathy 1G (CMD1G). Identifiers: Orphanet 154, MedGen C1858763, MONDO:0011400, OMIM 604145.
Tibial muscular dystrophy (TMD). Also called: Tibial muscular dystrophy, tardive; UDD MYOPATHY; Udd Distal Myopathy – Tibial Muscular Dystrophy. Identifiers: Orphanet 609, MedGen C1838244, MONDO:0010870, OMIM 600334.

Allele frequency attached by ClinVar (database versions not stated): gnomAD below 0.00001 and 0.00013; TOPMed 0.00005; gnomAD exomes 0.00021 and 0.00040; ExAC 0.00041; 1000 Genomes Project 30x 0.00062; 1000 Genomes Project 0.00080.
gnomAD v4.1: 332 of 1,613,820 alleles (0.021%); highest among the groups gnomAD compares: South Asian, 0.35%; 2 homozygotes.

Submissions (12):

Labcorp Genetics (formerly Invitae), Labcorp
Classification: Likely benign for Dilated cardiomyopathy 1G; Autosomal recessive limb-girdle muscular dystrophy type 2J. Last evaluated: 2026-01-21. Review status: criteria provided, single submitter. Criteria: Invitae Variant Classification Sherloc (09022015). Collection method: clinical testing. Allele origin: germline.

Women's Health and Genetics/Laboratory Corporation of America, LabCorp
Classification: Likely benign. Last evaluated: 2024-11-26. Review status: criteria provided, single submitter. Criteria: LabCorp Variant Classification Summary - May 2015. Collection method: clinical testing. Allele origin: germline.

Blueprint Genetics
Classification: Likely benign. Last evaluated: 2024-10-23. Review status: criteria provided, single submitter. Criteria: ACMG Guidelines, 2015. Collection method: clinical testing. Allele origin: germline.

GeneDx
Classification: Likely benign. Last evaluated: 2020-10-27. Review status: criteria provided, single submitter. Criteria: GeneDx Variant Classification Process June 2021. Collection method: clinical testing. Allele origin: germline. Affected: yes.
Comment: This variant is associated with the following publications: (PMID: 23861362)

Phosphorus, Inc.
Classification: Uncertain significance for Dilated cardiomyopathy 1G. Last evaluated: 2017-08-01. Review status: criteria provided, single submitter. Criteria: ACMG Guidelines, 2015. Collection method: clinical testing. Allele origin: germline. Observed: 1 variant allele.

Phosphorus, Inc.
Classification: Uncertain significance for Autosomal recessive limb-girdle muscular dystrophy type 2J. Last evaluated: 2017-08-01. Review status: criteria provided, single submitter. Criteria: ACMG Guidelines, 2015. Collection method: clinical testing. Allele origin: germline. Observed: 1 variant allele.

Phosphorus, Inc.
Classification: Uncertain significance for Tibial muscular dystrophy. Last evaluated: 2017-08-01. Review status: criteria provided, single submitter. Criteria: ACMG Guidelines, 2015. Collection method: clinical testing. Allele origin: germline. Observed: 1 variant allele.

Biesecker Lab/Clinical Genomics Section, National Institutes of Health
Classification: Uncertain significance. Last evaluated: 2013-06-24. Review status: criteria provided, single submitter. Criteria: Ng et al. (Circ Cardiovasc Genet. 2013). Collection method: research. Allele origin: unknown. Observed: 1 variant allele. Study: ClinSeq.
Comment: The study set was not selected for affection status in relation to any cancer. Pathogenicity categories were based on literature curation. See Pubmed ID:23861362 for details.

Medical sequencing

Ambry Genetics
Classification: Uncertain significance for Cardiovascular phenotype. Last evaluated: 2013-03-06. Review status: criteria provided, single submitter. Criteria: Ambry Autosomal Dominant and X-Linked criteria (10/2015). Collection method: clinical testing. Allele origin: germline. Observed: 1 variant allele.
Comment: There is insufficient or conflicting evidence for classification of this alteration.

PreventionGenetics, part of Exact Sciences
Classification: Likely benign for TTN-related condition. Last evaluated: 2020-03-09. Review status: no assertion criteria provided. Collection method: clinical testing. Allele origin: germline. Not counted in ClinVar's aggregate classification.
Comment: This variant is classified as likely benign based on ACMG/AMP sequence variant interpretation guidelines (Richards et al. 2015 PMID: 25741868, with internal and published modifications).

Clinical Genetics DNA and cytogenetics Diagnostics Lab, Erasmus MC, Erasmus Medical Center
Classification: Likely benign. Review status: no assertion criteria provided. Collection method: clinical testing. Allele origin: germline. Affected: yes. Study: VKGL Data-share Consensus. Not counted in ClinVar's aggregate classification.

Clinical Genetics, Academic Medical Center
Classification: Benign. Review status: no assertion criteria provided. Collection method: clinical testing. Allele origin: germline. Affected: yes. Study: VKGL Data-share Consensus. Not counted in ClinVar's aggregate classification.

Literature cited by the submitters: PubMed 23861362 (cited by Phosphorus, Inc.).